The following is an entry in ClinVar:

ClinVar aggregate classification (germline): Likely benign (1 of 4 stars; one submission).

Conditions:
MAP1B-related disorder. Also called: MAP1B-related condition.

gnomAD v4.1: 10 of 1,614,162 alleles (0.00062%); highest among the groups gnomAD compares: Middle Eastern, 0.033%; no homozygotes.

Submission:

PreventionGenetics, part of Exact Sciences
Classification: Likely benign for MAP1B-related condition. Last evaluated: 2026-01-18. Review status: criteria provided, single submitter. Criteria: ACMG Guidelines, 2015. Collection method: clinical testing. Allele origin: germline.
Comment: This variant is classified as likely benign based on ACMG/AMP sequence variant interpretation guidelines (Richards et al. 2015 PMID: 25741868, with internal and published modifications).

NM_005909.5(MAP1B):c.753G>A (p.Ser251=)

Gene: MAP1B (microtubule associated protein 1B; plus strand). Cytogenetic location: 5q13.2.
Variant type: single nucleotide variant.
Coding change: c.753G>A on transcript NM_005909.5 (MANE Select); coding-DNA position 753, G replaced by A.
Protein change: p.Ser251=; no amino-acid change (serine 251 retained).
Molecular consequence: synonymous variant.
Genome position (GRCh38, 1-based): chr5:72,194,108, G>A. VCF-style: chr5-72194108-G-A. GRCh37 (hg19) VCF-style: chr5-71489935-G-A.
Other names: c.375G>A, p.Ser125= (NM_001324255.2).
Identifiers: ClinVar variation 4990806 (VCV004990806.1).
Genomic context (GRCh38, chr5:72,194,108, plus strand): 5'-GTATCTCTCAGAATCAGTGGAAGTCCCATCTCCCTTTGACATCTTGGAACCTCCCACATC[G>A]GGTGGATTTCTGAAGCTCTCCAAGCCCTGCTGTTATATTTTTCCAGGAGGGAGGGGCGAT-3'
Protein context (NP_005900.2, residues 241-261): SPFDILEPPT[Ser251=]GGFLKLSKPC